The following is an entry in ClinVar:

NC_000006.11:g.(?_65596570)_(66205886_?)del

Gene: EYS (eyes shut homolog; minus strand). Cytogenetic location: 6q12.
Variant type: Deletion.
Identifiers: ClinVar variation 3246116 (VCV003246116.1).

ClinVar aggregate classification (germline): Pathogenic (1 of 4 stars; one submission).

Submission:

Labcorp Genetics (formerly Invitae), Labcorp
Classification: Pathogenic. Last evaluated: 2023-11-25. Review status: criteria provided, single submitter. Criteria: Invitae Variant Classification Sherloc (09022015). Collection method: clinical testing. Allele origin: unknown.
Comment: This variant is a gross deletion of the genomic region encompassing exon(s) 3-19 of the EYS gene, which includes the initiator codon. This deletion extends beyond the assayed region for this gene and therefore may encompass additional genes. It is expected to result in an absent or disrupted protein product. Loss-of-function variants in EYS are known to be pathogenic (PMID: 18836446, 20333770). This variant has not been reported in the literature in individuals affected with EYS-related conditions. For these reasons, this variant has been classified as Pathogenic.

Literature cited by the submitters: PubMed 18836446; PubMed 20333770.